The following is an entry in ClinVar:

ClinVar aggregate classification (germline): Uncertain significance (1 of 4 stars; one submission).

Submission:

Labcorp Genetics (formerly Invitae), Labcorp
Classification: Uncertain significance. Last evaluated: 2022-05-18. Review status: criteria provided, single submitter. Criteria: Invitae Variant Classification Sherloc (09022015). Collection method: clinical testing. Allele origin: germline.
Comment: This sequence change affects codon 526 of the CACNA1F mRNA. It is a 'silent' change, meaning that it does not change the encoded amino acid sequence of the CACNA1F protein. In summary, the available evidence is currently insufficient to determine the role of this variant in disease. Therefore, it has been classified as a Variant of Uncertain Significance. Algorithms developed to predict the effect of sequence changes on RNA splicing suggest that this variant may disrupt the consensus splice site. This variant has not been reported in the literature in individuals affected with CACNA1F-related conditions. This variant is not present in population databases (gnomAD no frequency).

NM_001256789.3(CACNA1F):c.1545G>T (p.Val515=)

Gene: CACNA1F (calcium voltage-gated channel subunit alpha1 F; minus strand). Cytogenetic location: Xp11.23.
Variant type: single nucleotide variant.
Coding change: c.1545G>T on transcript NM_001256789.3 (MANE Select); coding-DNA position 1545, G replaced by T.
Protein change: p.Val515=; no amino-acid change (valine 515 retained).
Molecular consequence: synonymous variant.
Genome position (GRCh38, 1-based): chrX:49,226,015, C>A on the plus strand (G>T on the coding strand, the complement: CACNA1F is on the minus strand). VCF-style: chrX-49226015-C-A. GRCh37 (hg19) VCF-style: chrX-49082477-C-A.
Other names: c.1383G>T, p.Val461= (NM_001256790.3); c.1578G>T, p.Val526= (NM_005183.4).
Identifiers: ClinVar variation 1996053 (VCV001996053.4), dbSNP rs2519123624, ClinGen allele CA516379147.